The following is an entry in ClinVar:

NM_002474.3(MYH11):c.5175C>T (p.Asn1725=)

Genes: MYH11 (myosin heavy chain 11; minus strand), NDE1 (nudE neurodevelopment protein 1; plus strand). Cytogenetic location: 16p13.11.
Variant type: single nucleotide variant.
Coding change: c.5175C>T on transcript NM_002474.3 (MANE Select); coding-DNA position 5175, C replaced by T.
Protein change: p.Asn1725=; no amino-acid change (asparagine 1725 retained).
Molecular consequence: synonymous variant. On other transcripts: intron variant (2).
Genome position (GRCh38, 1-based): chr16:15,718,435, G>A on the plus strand (C>T on the coding strand, the complement: MYH11 is on the minus strand). VCF-style: chr16-15718435-G-A. GRCh37 (hg19) VCF-style: chr16-15812292-G-A.
Other names: c.5196C>T, p.Asn1732= (NM_001040113.2, NM_001040114.2); c.5175C>T, p.Asn1725= (NM_022844.3); c.948-5756G>A (NM_001143979.2, NM_017668.3).
Identifiers: ClinVar variation 798806 (VCV000798806.12), dbSNP rs753293134, ClinGen allele CA7921371.

ClinVar aggregate classification (germline): Likely benign. Review status: criteria provided, multiple submitters, no conflicts (2 of 4 stars). 3 submissions from 3 submitters: Likely benign (3). Last evaluated 2025-12-29.

Conditions:
Familial thoracic aortic aneurysm and aortic dissection (TAAD). Also called: Thoracic aortic aneurysms and dissections. Identifiers: Orphanet 91387, MedGen C4707243, MONDO:0019625.
Aortic aneurysm, familial thoracic 4 (AAT4). Also called: AORTIC ANEURYSM/AORTIC DISSECTION AND PATENT DUCTUS ARTERIOSUS. Identifiers: MedGen C1851504, MONDO:0007568, OMIM 132900.

Allele frequency attached by ClinVar (database versions not stated): TOPMed below 0.00001; gnomAD exomes 0.00001 and 0.00002.
gnomAD v4.1: 21 of 1,563,454 alleles (0.0013%); highest among the groups gnomAD compares: South Asian, 0.0046%; no homozygotes.

Submissions (3):

Labcorp Genetics (formerly Invitae), Labcorp
Classification: Likely benign for Aortic aneurysm, familial thoracic 4. Last evaluated: 2025-12-29. Review status: criteria provided, single submitter. Criteria: Invitae Variant Classification Sherloc (09022015). Collection method: clinical testing. Allele origin: germline.

All of Us Research Program, National Institutes of Health
Classification: Likely benign for Familial thoracic aortic aneurysm and aortic dissection. Last evaluated: 2023-12-13. Review status: criteria provided, single submitter. Criteria: ACMG Guidelines, 2015. Collection method: clinical testing. Allele origin: germline. Inheritance: Autosomal dominant inheritance. Observed: 2 variant alleles, 2 heterozygotes.
Comment: This study involves interpretation of variants in research participants for the purpose of population health screening. Participant phenotype was not available at the time of variant classification. Additional details can be found in publication PMID: 35346344, PMCID: PMC8962531

Color Diagnostics, LLC DBA Color Health
Classification: Likely benign for Familial thoracic aortic aneurysm and aortic dissection. Last evaluated: 2019-12-09. Review status: criteria provided, single submitter. Criteria: ACMG Guidelines, 2015. Collection method: clinical testing. Allele origin: germline.